The following is an entry in ClinVar:

NM_000104.4(CYP1B1):c.350G>C (p.Arg117Pro)

Gene: CYP1B1 (cytochrome P450 family 1 subfamily B member 1; minus strand). Cytogenetic location: 2p22.2.
Variant type: single nucleotide variant.
Coding change: c.350G>C on transcript NM_000104.4 (MANE Select); coding-DNA position 350, G replaced by C.
Protein change: p.Arg117Pro; replaces arginine 117 with proline.
Molecular consequence: missense variant.
Genome position (GRCh38, 1-based): chr2:38,075,039, C>G on the plus strand (G>C on the coding strand, the complement: CYP1B1 is on the minus strand). VCF-style: chr2-38075039-C-G. GRCh37 (hg19) VCF-style: chr2-38302182-C-G.
Other names: short protein forms R117P.
Identifiers: ClinVar variation 3586583 (VCV003586583.1).

ClinVar aggregate classification (germline): Likely pathogenic. Review status: reviewed by expert panel (3 of 4 stars). 2 submissions from 2 submitters: Likely pathogenic (1). 1 of the submissions does not count toward it. Last evaluated 2025-11-19.

Conditions:
Glaucoma 3A. Also called: Glaucoma 3, primary congenital, A. Identifiers: Orphanet 98976, Orphanet 98977, MedGen C1856439, MONDO:0009277, OMIM 231300.
Anterior segment dysgenesis 6 (ASGD6). Also called: Anterior segment dysgenesis 6, multiple subtypes. Identifiers: MedGen C4310623, MONDO:0015016, OMIM 617315.
CYP1B1-related glaucoma with or without anterior segment dysgenesis. Identifiers: MedGen CN375931, MONDO:0800472.

gnomAD v4.1: 2 of 1,588,800 alleles (0.00013%); highest among the groups gnomAD compares: East Asian, 0.0023%; no homozygotes.

Submissions (2):

ClinGen Glaucoma Variant Curation Expert Panel
Classification: Likely pathogenic for CYP1B1-related glaucoma with or without anterior segment dysgenesis. Last evaluated: 2025-11-19. Review status: reviewed by expert panel. Criteria: ClinGen CYP1B1 ACMG Specifications V1 Approved. Collection method: curation. Allele origin: germline. Inheritance: Autosomal recessive inheritance.
Comment: The c.350G>C variant in CYP1B1 is a missense variant predicted to cause substitution of Arginine by Proline at amino acid 117 (p.Arg117Pro). The highest minor allele frequency of this variant was in the East Asian genetic ancestry group of gnomAD (v4.1.0) = 0.00002258 (1 allele out of 44,296), which met the ≤ 0.0005 threshold set for PM2_Supporting in a genetic ancestry group of at least 2,000 alleles. The REVEL score = 0.76, which was within the 0.644-0.772 range for PP3, predicting a damaging effect on CYP1B1 function. PS3_Supporting was not applied as the assays reported did not meet the OddsPath threshold (> 2.1) or the threshold for abnormal impact on protein function in the assays could not be determined (PMID: 27243976). This variant has been identified in an individual with a CYP1B1-related phenotype. This individual is compound heterozygous for the variant and a pathogenic or likely pathogenic variant (confirmed in trans) (PMID: 17157584). Total proband points = 1, meeting PM3. Two other missense variants (p.Arg117Trp, Grantham score = 101, ClinVar ID: 813356 and p.Arg117Gln, Grantham score = 43, ClinVar ID: 2500809) in the same codon have been classified as likely pathogenic for a CYP1B1-related phenotype by the ClinGen Glaucoma VCEP. CYP1B1:p.Arg117Pro has a higher Grantham score (= 103) than the previously classified amino acid changes, was not predicted to affect splicing as assessed with SpliceAI (≤ 0.2), and met PP3, meeting the conditions for PM5 to apply. In summary, this variant met the criteria to receive a score of 6 and to be classified as likely pathogenic (likely pathogenic classification range 6 to 9, adapted from PMID: 32720330) for CYP1B1-related glaucoma with or without anterior segment dysgenesis (ASD) based on the ACMG/AMP criteria met, as specified by the ClinGen Glaucoma VCEP (v1.0, 06.11.2025): PM3, PM5, PP3, PM2_Supporting

Fulgent Genetics
Classification: Likely pathogenic for Glaucoma 3A; Anterior segment dysgenesis 6. Last evaluated: 2024-03-04. Review status: criteria provided, single submitter. Criteria: ACMG Guidelines, 2015. Collection method: clinical testing. Allele origin: germline. Not counted in ClinVar's aggregate classification.